The following is an entry in ClinVar:

ClinVar aggregate classification (germline): Pathogenic (1 of 4 stars; one submission).

Conditions:
Inherited breast cancer and ovarian cancer.

Submission:

Genetics Laboratory, Great Ormond Street Hospital NHS Foundation Trust, North Thames Genomic Laboratory Hub
Classification: Pathogenic for Inherited breast cancer and ovarian cancer. Last evaluated: 2025-12-18. Review status: criteria provided, single submitter. Criteria: CanVIG PALB2 Gene Specific V1.2. Collection method: clinical testing. Allele origin: germline. Affected: yes.
Comment: PM2_supporting, PVS1_very-strong, PM5_supporting

NM_024675.4(PALB2):c.1486_1487del (p.Glu495_Asp496insTer)

Gene: PALB2 (partner and localizer of BRCA2; minus strand). Cytogenetic location: 16p12.2.
Variant type: Deletion.
Coding change: c.1486_1487del on transcript NM_024675.4 (MANE Select); coding-DNA positions 1486 to 1487, 2 bases deleted (GA; older notation c.1486_1487delGA).
Protein change: p.Glu495_Asp496insTer.
Molecular consequence: nonsense. On other transcripts: intron variant (3).
Genome position (GRCh38, 1-based): chr16:23,635,059-23,635,060, TC deleted on the plus strand (GA on the coding strand, the reverse complement: PALB2 is on the minus strand); deleting any 2 consecutive bases within chr16:23,635,059-23,635,061 gives the same sequence; the c. name uses the placement nearest the transcript's 3' end. VCF-style (leftmost placement, unchanged base first): chr16-23635058-ATC-A. GRCh37 (hg19) VCF-style: chr16-23646379-ATC-A.
Other names: c.1426_1427del, p.Glu475_Asp476insTer (NM_001407296.1); c.1486_1487del, p.Glu495_Asp496insTer (NM_001407297.1, NM_001407298.1, NM_001407299.1 and 3 more transcripts); c.601_602del, p.Glu200_Asp201insTer (NM_001407304.1, NM_001407305.1, NM_001407306.1 and 5 more transcripts); c.49-5785_49-5784del (NM_001407314.1); c.-104-4591_-104-4590del (NM_001407313.1, NM_001407312.1).
Identifiers: ClinVar variation 4795098 (VCV004795098.1).